The following is an entry in ClinVar:

ClinVar aggregate classification (germline): Uncertain significance. Review status: criteria provided, multiple submitters, no conflicts (2 of 4 stars). 2 submissions from 2 submitters: Uncertain significance (2). Last evaluated 2025-04-08.

Conditions:
Juvenile polyposis syndrome (JPS). Identifiers: Orphanet 2929, MedGen C0345893, MONDO:0017380, OMIM 174900.
SMAD4-related disorder. Also called: SMAD4-related condition; SMAD4-Related disorders.

Submissions (2):

Labcorp Genetics (formerly Invitae), Labcorp
Classification: Uncertain significance for Juvenile polyposis syndrome. Last evaluated: 2025-04-08. Review status: criteria provided, single submitter. Criteria: Invitae Variant Classification Sherloc (09022015). Collection method: clinical testing. Allele origin: germline.
Comment: This sequence change replaces proline, which is neutral and non-polar, with serine, which is neutral and polar, at codon 356 of the SMAD4 protein (p.Pro356Ser). This variant is not present in population databases (gnomAD no frequency). This missense change has been observed in individual(s) with clinical features of SMAD4-related conditions (internal data). ClinVar contains an entry for this variant (Variation ID: 2631619). Invitae Evidence Modeling of protein sequence and biophysical properties (such as structural, functional, and spatial information, amino acid conservation, physicochemical variation, residue mobility, and thermodynamic stability) has been performed for this missense variant. However, the output from this modeling did not meet the statistical confidence thresholds required to predict the impact of this variant on SMAD4 protein function. In summary, the available evidence is currently insufficient to determine the role of this variant in disease. Therefore, it has been classified as a Variant of Uncertain Significance.

PreventionGenetics, part of Exact Sciences
Classification: Uncertain significance for SMAD4-related condition. Last evaluated: 2023-08-08. Review status: criteria provided, single submitter. Criteria: ACMG Guidelines, 2015. Collection method: clinical testing. Allele origin: germline.
Comment: The SMAD4 c.1066C>T variant is predicted to result in the amino acid substitution p.Pro356Ser. To our knowledge, this variant has not been reported in the literature or in a large population database, indicating this variant is rare. At this time, the clinical significance of this variant is uncertain due to the absence of conclusive functional and genetic evidence.

NM_005359.6(SMAD4):c.1066C>T (p.Pro356Ser)

Gene: SMAD4 (SMAD family member 4; plus strand). Cytogenetic location: 18q21.2.
Variant type: single nucleotide variant.
Coding change: c.1066C>T on transcript NM_005359.6 (MANE Select); coding-DNA position 1066, C replaced by T.
Protein change: p.Pro356Ser; replaces proline 356 with serine.
Molecular consequence: missense variant. On other transcripts: non-coding transcript variant (2).
Genome position (GRCh38, 1-based): chr18:51,065,533, C>T. VCF-style: chr18-51065533-C-T. GRCh37 (hg19) VCF-style: chr18-48591903-C-T.
Other names: c.1066C>T, p.Pro356Ser (NM_001407041.1, NM_001407042.1, NM_001407043.1); short protein forms P356S.
Identifiers: ClinVar variation 2631619 (VCV002631619.2), dbSNP rs2144447276, ClinGen allele CA402464316.